The following is an entry in ClinVar:

NM_001308120.2(TOGARAM1):c.3328+1G>C

Gene: TOGARAM1 (TOG array regulator of axonemal microtubules 1; plus strand). Cytogenetic location: 14q21.2.
Variant type: single nucleotide variant.
Coding change: c.3328+1G>C on transcript NM_001308120.2 (MANE Select); the canonical splice donor site of the intron after coding-DNA position 3328, G replaced by C.
Molecular consequence: splice donor variant.
Genome position (GRCh38, 1-based): chr14:45,025,873, G>C. VCF-style: chr14-45025873-G-C. GRCh37 (hg19) VCF-style: chr14-45495076-G-C.
Other names: c.3328+1G>C (NM_015091.4).
Identifiers: ClinVar variation 5002808 (VCV005002808.1).
Genomic context (GRCh38, chr14:45,025,873, plus strand): 5'-GTTTTGACTTCACAACCACAAAGGCTTTATCAGAAGACTCAGTAGTAGTTGTTGGAAAAG[G>C]TATTTCAAAGTTATTTCGCTTCTTAATTATATGTATTCATCATATAGAAGCAAAGCCTAT-3'

ClinVar aggregate classification (germline): Likely pathogenic (1 of 4 stars; one submission).

Conditions:
Joubert syndrome 37. Identifiers: MedGen C5543064, MONDO:0030933, OMIM 619185.

Submission:

OLLIN Analises Genomicas, OLLIN
Classification: Likely pathogenic for Joubert syndrome 37. Last evaluated: 2026-08-06. Review status: criteria provided, single submitter. Criteria: ACMG Guidelines 2015 PMID 25741868. Collection method: clinical testing. Allele origin: germline. Inheritance: Autosomal recessive inheritance.
Comment: This variant, located at the canonical splicing site (splice donor), is absent from gnomAD and ClinVar and has not been identified in the literature. This variant is predicted to disrupt a canonical splice site, potentially leading to exon skipping, mRNA degradation via nonsense-mediated decay (NMD), or production of a truncated protein. According to the currently available evidence, this variant has been classified as likely pathogenic (PVS1, PM2_P).